The following is an entry in ClinVar:

ClinVar aggregate classification (germline): Uncertain significance (1 of 4 stars; one submission).

Submission:

GeneDx
Classification: Uncertain significance. Last evaluated: 2023-11-21. Review status: criteria provided, single submitter. Criteria: GeneDx Variant Classification Process June 2021. Collection method: clinical testing. Allele origin: germline. Affected: yes.
Comment: Not observed at significant frequency in large population cohorts (gnomAD); In silico analysis supports that this missense variant has a deleterious effect on protein structure/function; Has not been previously published as pathogenic or benign to our knowledge

NM_153252.5(BRWD3):c.3409G>A (p.Glu1137Lys)

Gene: BRWD3 (bromodomain and WD repeat domain containing 3; minus strand). Cytogenetic location: Xq21.1.
Variant type: single nucleotide variant.
Coding change: c.3409G>A on transcript NM_153252.5 (MANE Select); coding-DNA position 3409, G replaced by A.
Protein change: p.Glu1137Lys; replaces glutamic acid 1137 with lysine.
Molecular consequence: missense variant.
Genome position (GRCh38, 1-based): chrX:80,691,895, C>T on the plus strand (G>A on the coding strand, the complement: BRWD3 is on the minus strand). VCF-style: chrX-80691895-C-T. GRCh37 (hg19) VCF-style: chrX-79947394-C-T.
Other names: short protein forms E1137K.
Identifiers: ClinVar variation 3340298 (VCV003340298.1).